The following is an entry in ClinVar:

ClinVar aggregate classification (germline): Uncertain significance (1 of 4 stars; one submission).

Conditions:
Charcot-Marie-Tooth disease axonal type 2O. Also called: CHARCOT-MARIE-TOOTH NEUROPATHY, AXONAL, TYPE 2O; CHARCOT-MARIE-TOOTH DISEASE, AXONAL, AUTOSOMAL DOMINANT, TYPE 2O; Charcot-Marie-Tooth Neuropathy Type 2O; Charcot-Marie-Tooth disease, axonal, type 20. Identifiers: Orphanet 284232, MedGen C3280220, MONDO:0013644, OMIM 614228.

Submission:

Labcorp Genetics (formerly Invitae), Labcorp
Classification: Uncertain significance for Charcot-Marie-Tooth disease axonal type 2O. Last evaluated: 2022-02-17. Review status: criteria provided, single submitter. Criteria: Invitae Variant Classification Sherloc (09022015). Collection method: clinical testing. Allele origin: germline.
Comment: In summary, the available evidence is currently insufficient to determine the role of this variant in disease. Therefore, it has been classified as a Variant of Uncertain Significance. Experimental studies and prediction algorithms are not available or were not evaluated, and the functional significance of this variant is currently unknown. This variant has not been reported in the literature in individuals affected with DYNC1H1-related conditions. This variant is a gross deletion of the genomic region encompassing exon(s) 2-78 of the DYNC1H1 gene, which includes the termination codon. This deletion extends beyond the assayed region for this gene and therefore may encompass additional genes. While this deletion is not anticipated to lead to nonsense mediated decay, it is expected to alter mRNA translation or result in a truncated protein product.

NC_000014.8:g.(?_102442029)_(105861009_?)del

Genes: JAG2 (jagged canonical Notch ligand 2; minus strand), COA8 (cytochrome c oxidase assembly factor 8; plus strand), ADSS1 (adenylosuccinate synthase 1; plus strand), AHNAK2 (AHNAK nucleoprotein 2; minus strand), BAG5 (BAG cochaperone 5; minus strand) and 43 more. Cytogenetic location: 14q32.31-32.33.
Variant type: Deletion.
Identifiers: ClinVar variation 2424155 (VCV002424155.4).